The following is an entry in ClinVar:

ClinVar aggregate classification (germline): Uncertain significance. Review status: criteria provided, multiple submitters, no conflicts (2 of 4 stars). 5 submissions from 3 submitters: Uncertain significance (5). Last evaluated 2024-05-03.

Conditions:
Arrhythmogenic right ventricular dysplasia 8 (ARVD8). Also called: Arrhythmogenic Right Ventricular Dysplasia/Cardiomyopathy 8; ARRHYTHMOGENIC RIGHT VENTRICULAR DYSPLASIA, FAMILIAL, 8; ARRHYTHMOGENIC RIGHT VENTRICULAR CARDIOMYOPATHY 8. Identifiers: MedGen C1843896, MONDO:0011831, OMIM 607450.
Arrhythmogenic cardiomyopathy with wooly hair and keratoderma. Also called: Dilated cardiomyopathy with woolly hair and keratoderma; Arrhythmogenic cardiomyopathy with woolly hair and keratoderma; Carvajal syndrome; PALMOPLANTAR KERATODERMA WITH LEFT VENTRICULAR CARDIOMYOPATHY AND WOOLLY HAIR. Identifiers: Orphanet 65282, MedGen C1854063, MONDO:0011581, OMIM 605676.
Cardiomyopathy (CMYO). Also called: Cardiomyopathies. Identifiers: Orphanet 167848, MedGen C0878544, MONDO:0004994, HP:0001638. Inheritance: Various modes of inheritance.
Lethal acantholytic epidermolysis bullosa (EBLA). Identifiers: Orphanet 158687, MedGen C1864826, MONDO:0012323, OMIM 609638.
Woolly hair-skin fragility syndrome (WHSF). Identifiers: Orphanet 293165, MedGen C1843292, MONDO:0957307, OMIM 620415.

Submissions (5):

Color Diagnostics, LLC DBA Color Health
Classification: Uncertain significance for Cardiomyopathy. Last evaluated: 2024-05-03. Review status: criteria provided, single submitter. Criteria: ACMG Guidelines, 2015. Collection method: clinical testing. Allele origin: germline.
Comment: This missense variant replaces threonine with isoleucine at codon 861 of the DSP protein. Computational prediction suggests that this variant may not impact protein structure and function (internally defined REVEL score threshold <= 0.5, PMID: 27666373). To our knowledge, functional studies have not been reported for this variant. This variant has not been reported in individuals affected with DSP-related disorders in the literature. This variant has not been identified in the general population by the Genome Aggregation Database (gnomAD). The available evidence is insufficient to determine the role of this variant in disease conclusively. Therefore, this variant is classified as a Variant of Uncertain Significance.

Labcorp Genetics (formerly Invitae), Labcorp
Classification: Uncertain significance for Arrhythmogenic cardiomyopathy with wooly hair and keratoderma; Arrhythmogenic right ventricular dysplasia 8. Last evaluated: 2023-11-19. Review status: criteria provided, single submitter. Criteria: Invitae Variant Classification Sherloc (09022015). Collection method: clinical testing. Allele origin: germline.
Comment: This sequence change replaces threonine, which is neutral and polar, with isoleucine, which is neutral and non-polar, at codon 861 of the DSP protein (p.Thr861Ile). This variant is not present in population databases (gnomAD no frequency). This variant has not been reported in the literature in individuals affected with DSP-related conditions. ClinVar contains an entry for this variant (Variation ID: 909027). Algorithms developed to predict the effect of missense changes on protein structure and function output the following: SIFT: "Not Available"; PolyPhen-2: "Benign"; Align-GVGD: "Not Available". The isoleucine amino acid residue is found in multiple mammalian species, which suggests that this missense change does not adversely affect protein function. In summary, the available evidence is currently insufficient to determine the role of this variant in disease. Therefore, it has been classified as a Variant of Uncertain Significance.

Illumina Laboratory Services, Illumina
Classification: Uncertain significance for Arrhythmogenic right ventricular dysplasia 8. Last evaluated: 2018-01-13. Review status: criteria provided, single submitter. Criteria: ICSL Variant Classification Criteria 13 December 2019. Collection method: clinical testing. Allele origin: germline.

Illumina Laboratory Services, Illumina
Classification: Uncertain significance for Lethal acantholytic epidermolysis bullosa. Last evaluated: 2018-01-13. Review status: criteria provided, single submitter. Criteria: ICSL Variant Classification Criteria 13 December 2019. Collection method: clinical testing. Allele origin: germline.

Illumina Laboratory Services, Illumina
Classification: Uncertain significance for Arrhythmogenic cardiomyopathy with wooly hair and keratoderma. Last evaluated: 2018-01-13. Review status: criteria provided, single submitter. Criteria: ICSL Variant Classification Criteria 13 December 2019. Collection method: clinical testing. Allele origin: germline.

NM_004415.4(DSP):c.2582C>T (p.Thr861Ile)

Gene: DSP (desmoplakin; plus strand). Cytogenetic location: 6p24.3.
Variant type: single nucleotide variant.
Coding change: c.2582C>T on transcript NM_004415.4 (MANE Select); coding-DNA position 2582, C replaced by T.
Protein change: p.Thr861Ile; replaces threonine 861 with isoleucine.
Molecular consequence: missense variant.
Genome position (GRCh38, 1-based): chr6:7,575,440, C>T. VCF-style: chr6-7575440-C-T. GRCh37 (hg19) VCF-style: chr6-7575673-C-T.
Other names: c.2582C>T, p.Thr861Ile (NM_001008844.3, NM_001319034.2); short protein forms T861I.
Identifiers: ClinVar variation 909027 (VCV000909027.11), dbSNP rs1759210367, ClinGen allele CA362681662.